The following is an entry in ClinVar:

NM_033453.4(ITPA):c.233A>T (p.Asn78Ile)

Gene: ITPA (inosine triphosphatase; plus strand). Cytogenetic location: 20p13.
Variant type: single nucleotide variant.
Coding change: c.233A>T on transcript NM_033453.4 (MANE Select); coding-DNA position 233, A replaced by T.
Protein change: p.Asn78Ile; replaces asparagine 78 with isoleucine.
Molecular consequence: missense variant. On other transcripts: 5 prime UTR variant (4), non-coding transcript variant (2).
Genome position (GRCh38, 1-based): chr20:3,214,028, A>T. VCF-style: chr20-3214028-A-T. GRCh37 (hg19) VCF-style: chr20-3194674-A-T.
Other names: c.110A>T, p.Asn37Ile (NM_001267623.2); c.-105A>T (NM_001324236.2, NM_001324237.2, NM_001324238.2 and 1 more transcripts); c.233A>T, p.Asn78Ile (NM_001324240.2, NM_001424408.1); c.359A>T, p.Asn120Ile (NM_001424409.1); c.182A>T, p.Asn61Ile (NM_181493.4); short protein forms N37I, N78I, N61I, N120I.
Identifiers: ClinVar variation 2132673 (VCV002132673.4), dbSNP rs150904363, ClinGen allele CA408077694.
Genomic context (GRCh38, chr20:3,214,028, plus strand): 5'-ATGTCTTTGTGCTGCAGGTACAGGGGCCCGTGCTGGTTGAGGACACTTGTCTGTGCTTCA[A>T]TGCCCTTGGAGGGCTCCCCGGCCCCTACATGTGAGTGACTACCTCCACCCCCTTACAGGG-3'
Protein context (NP_258412.1, residues 68-88): VLVEDTCLCF[Asn78Ile]ALGGLPGPYI

ClinVar aggregate classification (germline): Uncertain significance (1 of 4 stars; one submission).

Conditions:
Inosine triphosphatase deficiency. Also called: INOSINE TRIPHOSPHATE PYROPHOSPHOHYDROLASE DEFICIENCY. Identifiers: MedGen C0342800, MONDO:0013461, OMIM 613850.

Submission:

Labcorp Genetics (formerly Invitae), Labcorp
Classification: Uncertain significance for Inosine triphosphatase deficiency. Last evaluated: 2022-05-03. Review status: criteria provided, single submitter. Criteria: Invitae Variant Classification Sherloc (09022015). Collection method: clinical testing. Allele origin: germline.
Comment: This sequence change replaces asparagine, which is neutral and polar, with isoleucine, which is neutral and non-polar, at codon 78 of the ITPA protein (p.Asn78Ile). In summary, the available evidence is currently insufficient to determine the role of this variant in disease. Therefore, it has been classified as a Variant of Uncertain Significance. Algorithms developed to predict the effect of missense changes on protein structure and function are either unavailable or do not agree on the potential impact of this missense change (SIFT: "Deleterious"; PolyPhen-2: "Possibly Damaging"; Align-GVGD: "Class C15"). This variant has not been reported in the literature in individuals affected with ITPA-related conditions. This variant is not present in population databases (gnomAD no frequency).